The following is an entry in ClinVar:

ClinVar aggregate classification (germline): Uncertain significance (1 of 4 stars; one submission).

Conditions:
Familial adenomatous polyposis 1 (FAP1). Also called: FAMILIAL ADENOMATOUS POLYPOSIS 1, ATTENUATED; POLYPOSIS, ADENOMATOUS INTESTINAL. Identifiers: MedGen C2713442, MONDO:0021056, OMIM 175100. Disease mechanism: loss of function.

Submission:

Labcorp Genetics (formerly Invitae), Labcorp
Classification: Uncertain significance for Familial adenomatous polyposis 1. Last evaluated: 2023-07-25. Review status: criteria provided, single submitter. Criteria: Invitae Variant Classification Sherloc (09022015). Collection method: clinical testing. Allele origin: germline.
Comment: This sequence change replaces tyrosine, which is neutral and polar, with phenylalanine, which is neutral and non-polar, at codon 737 of the APC protein (p.Tyr737Phe). This variant is not present in population databases (gnomAD no frequency). This variant has not been reported in the literature in individuals affected with APC-related conditions. Advanced modeling of protein sequence and biophysical properties (such as structural, functional, and spatial information, amino acid conservation, physicochemical variation, residue mobility, and thermodynamic stability) performed at Invitae indicates that this missense variant is not expected to disrupt APC protein function. In summary, the available evidence is currently insufficient to determine the role of this variant in disease. Therefore, it has been classified as a Variant of Uncertain Significance.

NM_000038.6(APC):c.2210A>T (p.Tyr737Phe)

Gene: APC (APC regulator of Wnt signaling pathway; plus strand). Cytogenetic location: 5q22.2.
Variant type: single nucleotide variant.
Coding change: c.2210A>T on transcript NM_000038.6 (MANE Select); coding-DNA position 2210, A replaced by T.
Protein change: p.Tyr737Phe; replaces tyrosine 737 with phenylalanine.
Molecular consequence: missense variant. On other transcripts: non-coding transcript variant (2).
Genome position (GRCh38, 1-based): chr5:112,837,804, A>T. VCF-style: chr5-112837804-A-T. GRCh37 (hg19) VCF-style: chr5-112173501-A-T.
Other names: c.2210A>T, p.Tyr737Phe (NM_001127510.3, NM_001354895.2, NM_001407450.1); c.2156A>T, p.Tyr719Phe (NM_001127511.3); c.2264A>T, p.Tyr755Phe (NM_001354896.2, NM_001407447.1, NM_001407448.1 and 1 more transcripts); c.2240A>T, p.Tyr747Phe (NM_001354897.2); c.2135A>T, p.Tyr712Phe (NM_001354898.2); c.2126A>T, p.Tyr709Phe (NM_001354899.2); c.2087A>T, p.Tyr696Phe (NM_001354900.2); c.2033A>T, p.Tyr678Phe (NM_001354901.2, NM_001407453.1); and 11 more; short protein forms Y611F, Y678F, Y709F, Y719F, Y755F, Y353F, Y608F, Y646F.
Identifiers: ClinVar variation 2746817 (VCV002746817.3), dbSNP rs2149863345, ClinGen allele CA16026174.